The following is an entry in ClinVar:

NM_004706.4(ARHGEF1):c.*139del

Gene: ARHGEF1 (Rho guanine nucleotide exchange factor 1; plus strand). Cytogenetic location: 19q13.2.
Variant type: Deletion.
Coding change: c.*139del on transcript NM_004706.4 (MANE Select); 139 bases downstream of the stop codon, one base deleted (G; older notation c.*139delG).
Molecular consequence: 3 prime UTR variant. On other transcripts: frameshift variant (2), non-coding transcript variant (1), intron variant (2).
Genome position (GRCh38, 1-based): chr19:41,907,226, G deleted; the last of 3 consecutive G bases (chr19:41,907,224-41,907,226); deleting any one gives the same sequence. VCF-style (leftmost placement, unchanged base first): chr19-41907223-TG-T. GRCh37 (hg19) VCF-style: chr19-42411375-TG-T.
Other names: c.*139del (NM_001396000.1, NM_198977.2, NM_199002.2); c.2615del, p.Gly872fs (NM_001396004.1); c.2714del, p.Gly905fs (NM_001396006.1); c.2592+423del (NM_001396003.1); c.2493+423del (NM_001396002.1); c.*139delG (NM_199002.2); short protein forms G872fs, G905fs.
Identifiers: ClinVar variation 3339386 (VCV003339386.1).
Genomic context (GRCh38, chr19:41,907,223, plus strand): 5'-ACAGCTGCCGCAGCATCTCACACCCCGAGGGCCTGAGGAGAGGGAGCTGTGGGCCACGCC[TG>T]GGAGGGGCCCAGCTGGGGTTACTGGCCCCGCATGAGCCTCGGCCATCTCTCCCTCCTGCC-3'

ClinVar aggregate classification (germline): Uncertain significance (1 of 4 stars; one submission).

Submission:

Women's Health and Genetics/Laboratory Corporation of America, LabCorp
Classification: Uncertain significance. Last evaluated: 2024-07-23. Review status: criteria provided, single submitter. Criteria: LabCorp Variant Classification Summary - May 2015. Collection method: clinical testing. Allele origin: germline.
Comment: Variant summary: ARHGEF1 c.*139delG is located in the untranslated mRNA region downstream of the termination codon. The frequency data for this variant in gnomAD is considered unreliable, as metrics indicate poor data quality at this position. To our knowledge, no occurrence of c.*139delG in individuals affected with Immunodeficiency 62 and no experimental evidence demonstrating its impact on protein function have been reported. No submitters have cited clinical-significance assessments for this variant to ClinVar. Based on the evidence outlined above, the variant was classified as uncertain significance.